The following is an entry in ClinVar:

ClinVar aggregate classification (germline): Uncertain significance (1 of 4 stars; one submission).

Submission:

GeneDx
Classification: Uncertain significance. Last evaluated: 2024-02-20. Review status: criteria provided, single submitter. Criteria: GeneDx Variant Classification Process June 2021. Collection method: clinical testing. Allele origin: germline. Affected: yes.
Comment: Not observed at significant frequency in large population cohorts (gnomAD); In silico analysis supports that this missense variant has a deleterious effect on protein structure/function; Has not been previously published as pathogenic or benign to our knowledge

NM_015267.4(CUX2):c.914C>A (p.Ser305Tyr)

Gene: CUX2 (cut like homeobox 2; plus strand). Cytogenetic location: 12q24.12.
Variant type: single nucleotide variant.
Coding change: c.914C>A on transcript NM_015267.4 (MANE Select); coding-DNA position 914, C replaced by A.
Protein change: p.Ser305Tyr; replaces serine 305 with tyrosine.
Molecular consequence: missense variant.
Genome position (GRCh38, 1-based): chr12:111,306,976, C>A. VCF-style: chr12-111306976-C-A. GRCh37 (hg19) VCF-style: chr12-111744780-C-A.
Other names: c.728C>A, p.Ser243Tyr (NM_001370598.1); short protein forms S243Y, S305Y.
Identifiers: ClinVar variation 3369482 (VCV003369482.1).